The following is an entry in ClinVar:

ClinVar aggregate classification (germline): Uncertain significance. Review status: criteria provided, multiple submitters, no conflicts (2 of 4 stars). 2 submissions from 2 submitters: Uncertain significance (2). Last evaluated 2026-09-16.

Conditions:
CACNA1F-related disorder. Also called: CACNA1F-related condition.

Allele frequency attached by ClinVar (database versions not stated): ExAC 0.00001; gnomAD 0.00004; gnomAD exomes 0.00005; TOPMed 0.00005.
gnomAD v4.1: 30 of 1,207,873 alleles (0.0025%); highest among the groups gnomAD compares: Admixed American, 0.022%; no homozygotes.

Submissions (3):

PreventionGenetics, part of Exact Sciences
Classification: Uncertain significance for CACNA1F-related condition. Last evaluated: 2026-09-16. Review status: criteria provided, single submitter. Criteria: ACMG Guidelines, 2015. Collection method: clinical testing. Allele origin: germline.
Comment: The CACNA1F c.2993G>A variant is predicted to result in the amino acid substitution p.Arg998Gln. To our knowledge, this variant has not been reported in the literature. This variant is reported in 0.029% of alleles in individuals of Latino descent in gnomAD, including 3 hemizygotes, which may be too frequent to be a primary cause of disease. Although we suspect that this variant may be benign, at this time, the clinical significance of this variant is uncertain due to the absence of conclusive functional and genetic evidence.

Labcorp Genetics (formerly Invitae), Labcorp
Classification: Uncertain significance. Last evaluated: 2025-09-07. Review status: criteria provided, single submitter. Criteria: Invitae Variant Classification Sherloc (09022015). Collection method: clinical testing. Allele origin: germline.
Comment: This sequence change replaces arginine, which is basic and polar, with glutamine, which is neutral and polar, at codon 998 of the CACNA1F protein (p.Arg998Gln). This variant is present in population databases (rs782241013, gnomAD 0.03%), and has an allele count higher than expected for a pathogenic variant. This variant has not been reported in the literature in individuals affected with CACNA1F-related conditions. ClinVar contains an entry for this variant (Variation ID: 858119). Invitae Evidence Modeling of protein sequence and biophysical properties (such as structural, functional, and spatial information, amino acid conservation, physicochemical variation, residue mobility, and thermodynamic stability) indicates that this missense variant is not expected to disrupt CACNA1F protein function with a negative predictive value of 80%. Algorithms developed to predict the effect of sequence changes on RNA splicing suggest that this variant may create or strengthen a splice site. In summary, the available evidence is currently insufficient to determine the role of this variant in disease. Therefore, it has been classified as a Variant of Uncertain Significance.

Dr. Peter K. Rogan Lab, Western University
No classification provided (evidence only). Condition: Chronic lymphocytic leukemia/small lymphocytic lymphoma. Review status: no classification provided. Collection method: in vitro. Allele origin: not applicable. Functional consequence: retained intron. Not counted in ClinVar's aggregate classification.

NM_001256789.3(CACNA1F):c.2960G>A (p.Arg987Gln)

Gene: CACNA1F (calcium voltage-gated channel subunit alpha1 F; minus strand). Cytogenetic location: Xp11.23.
Variant type: single nucleotide variant.
Coding change: c.2960G>A on transcript NM_001256789.3 (MANE Select); coding-DNA position 2960, G replaced by A.
Protein change: p.Arg987Gln; replaces arginine 987 with glutamine.
Molecular consequence: missense variant.
Genome position (GRCh38, 1-based): chrX:49,217,974, C>T on the plus strand (G>A on the coding strand, the complement: CACNA1F is on the minus strand). VCF-style: chrX-49217974-C-T. GRCh37 (hg19) VCF-style: chrX-49074433-C-T.
Other names: c.2798G>A, p.Arg933Gln (NM_001256790.3); c.2993G>A, p.Arg998Gln (NM_005183.4); short protein forms R933Q, R987Q, R998Q.
Identifiers: ClinVar variation 858119 (VCV000858119.12), dbSNP rs782241013, ClinGen allele CA10410566.